The following is an entry in ClinVar:

ClinVar aggregate classification (germline): Uncertain significance (1 of 4 stars; one submission).

Submission:

GeneDx
Classification: Uncertain significance. Last evaluated: 2024-09-12. Review status: criteria provided, single submitter. Criteria: GeneDx Variant Classification Process June 2021. Collection method: clinical testing. Allele origin: germline. Affected: yes.
Comment: Not observed at significant frequency in large population cohorts (gnomAD); In silico analysis indicates that this missense variant does not alter protein structure/function; Has not been previously published as pathogenic or benign to our knowledge

NM_078470.6(COX15):c.163A>G (p.Arg55Gly)

Gene: COX15 (cytochrome c oxidase assembly homolog COX15; minus strand). Cytogenetic location: 10q24.2.
Variant type: single nucleotide variant.
Coding change: c.163A>G on transcript NM_078470.6 (MANE Select); coding-DNA position 163, A replaced by G.
Protein change: p.Arg55Gly; replaces arginine 55 with glycine.
Molecular consequence: missense variant. On other transcripts: 5 prime UTR variant (1), non-coding transcript variant (1).
Genome position (GRCh38, 1-based): chr10:99,729,662, T>C on the plus strand (A>G on the coding strand, the complement: COX15 is on the minus strand). VCF-style: chr10-99729662-T-C. GRCh37 (hg19) VCF-style: chr10-101489419-T-C.
Other names: c.163A>G, p.Arg55Gly (NM_001320974.2, NM_001320975.2, NM_001372024.1 and 5 more transcripts); c.-292A>G (NM_001320976.2); short protein forms R55G.
Identifiers: ClinVar variation 3769983 (VCV003769983.1).